The following is an entry in ClinVar:

NM_033360.4(KRAS):c.*671C>T

Gene: KRAS (KRas proto-oncogene, GTPase; minus strand). Cytogenetic location: 12p12.1.
Variant type: single nucleotide variant.
Coding change: c.*671C>T on transcript NM_033360.4 (MANE Plus Clinical); 671 bases downstream of the stop codon, C replaced by T.
Molecular consequence: 3 prime UTR variant.
Genome position (GRCh38, 1-based): chr12:25,209,245, G>A on the plus strand (C>T on the coding strand, the complement: KRAS is on the minus strand). VCF-style: chr12-25209245-G-A. GRCh37 (hg19) VCF-style: chr12-25362179-G-A.
Other names: c.*671C>T (NM_001369786.1, LRG_344t2); c.*550C>T (NM_001369787.1, NM_004985.5, LRG_344t1).
Identifiers: ClinVar variation 308116 (VCV000308116.32), dbSNP rs566222739, ClinGen allele CA6486810.
Genomic context (GRCh38, chr12:25,209,245, plus strand): 5'-CTTTTTATAGAAAAAATATAATATTTTGGGGAGAGTGACCATGACTAATAGCAGTGGAAA[G>A]GAGACAAAACCTTTGTGAACAGTGTAACTTTACATTCATCAGGGATGACAAACTATAGGA-3'

ClinVar aggregate classification (germline): Likely benign. Review status: criteria provided, multiple submitters, no conflicts (2 of 4 stars). 2 submissions from 2 submitters: Likely benign (2). Last evaluated 2022-12-01.

Conditions:
Noonan syndrome and Noonan-related syndrome. Identifiers: Orphanet 98733, MedGen C5681679, MONDO:0020297.

Allele frequency attached by ClinVar (database versions not stated): gnomAD below 0.00001 and 0.00017; TOPMed 0.00004; gnomAD exomes 0.00068 and 0.00099; 1000 Genomes Project 30x 0.00078; 1000 Genomes Project 0.00080; ExAC 0.00344.
gnomAD v4.1: 377 of 683,426 alleles (0.055%); highest among the groups gnomAD compares: South Asian, 0.57%; 4 homozygotes.

Submissions (2):

CeGaT Center for Human Genetics Tuebingen
Classification: Likely benign. Last evaluated: 2022-12-01. Review status: criteria provided, single submitter. Criteria: CeGaT Center For Human Genetics Tuebingen Variant Classification Criteria Version 2. Collection method: clinical testing. Allele origin: germline. Affected: yes. Observed: 2 variant alleles.
Comment: KRAS: BS1

Genome Diagnostics Laboratory, The Hospital for Sick Children
Classification: Likely benign for Noonan syndrome and Noonan-related syndrome. Last evaluated: 2016-12-22. Review status: criteria provided, single submitter. Criteria: ACMG Guidelines, 2015. Collection method: clinical testing. Allele origin: germline.